The following is an entry in ClinVar:

NM_000017.4(ACADS):c.*200C>T

Gene: ACADS (acyl-CoA dehydrogenase short chain; plus strand). Cytogenetic location: 12q24.31.
Variant type: single nucleotide variant.
Coding change: c.*200C>T on transcript NM_000017.4 (MANE Select); 200 bases downstream of the stop codon, C replaced by T.
Molecular consequence: 3 prime UTR variant.
Genome position (GRCh38, 1-based): chr12:120,739,648, C>T. VCF-style: chr12-120739648-C-T. GRCh37 (hg19) VCF-style: chr12-121177451-C-T.
Other names: c.*200C>T (NM_001302554.2).
Identifiers: ClinVar variation 307447 (VCV000307447.5), dbSNP rs137990231, ClinGen allele CA10632136.

ClinVar aggregate classification (germline): Likely benign (1 of 4 stars; one submission).

Conditions:
Deficiency of butyryl-CoA dehydrogenase (ACADSD). Also called: SCAD DEFICIENCY, MILD; ACYL-CoA DEHYDROGENASE, SHORT-CHAIN, DEFICIENCY OF; SCADH DEFICIENCY; ACADS DEFICIENCY; Short-Chain Acyl-CoA Dehydrogenase Deficiency; SCAD Deficiency. Identifiers: Orphanet 26792, MedGen C0342783, MONDO:0008722, OMIM 201470. Disease mechanism: May be benign.

Allele frequency attached by ClinVar (database versions not stated): gnomAD exomes 0.00056; gnomAD 0.00358 and 0.00378; TOPMed 0.00374; 1000 Genomes Project 0.00599; 1000 Genomes Project 30x 0.00625.
gnomAD v4.1: 830 of 645,020 alleles (0.13%); highest among the groups gnomAD compares: African/African-American, 1.1%; 5 homozygotes.

Submission:

Illumina Laboratory Services, Illumina
Classification: Likely benign for Deficiency of butyryl-CoA dehydrogenase. Last evaluated: 2018-01-13. Review status: criteria provided, single submitter. Criteria: ICSL Variant Classification Criteria 13 December 2019. Collection method: clinical testing. Allele origin: germline.
Comment: This variant was observed in the ICSL laboratory as part of a predisposition screen in an ostensibly healthy population. It had not been previously curated by ICSL or reported in the Human Gene Mutation Database (HGMD: prior to June 1st, 2018), and was therefore a candidate for classification through an automated scoring system. Utilizing variant allele frequency, disease prevalence and penetrance estimates, and inheritance mode, an automated score was calculated to assess if this variant is too frequent to cause the disease. Based on the score and internal cut-off values, a variant classified as likely benign is not then subjected to further curation. The score for this variant resulted in a classification of likely benign for this disease.